The following is an entry in ClinVar:

ClinVar aggregate classification (germline): Uncertain significance (1 of 4 stars; one submission).

Submission:

Labcorp Genetics (formerly Invitae), Labcorp
Classification: Uncertain significance. Last evaluated: 2025-10-04. Review status: criteria provided, single submitter. Criteria: Invitae Variant Classification Sherloc (09022015). Collection method: clinical testing. Allele origin: germline.
Comment: This variant, c.1926_1928del, results in the deletion of 1 amino acid(s) of the ZNF687 protein (p.Ser643del), but otherwise preserves the integrity of the reading frame. This variant is present in population databases (rs751912108, gnomAD 0.04%). This variant has not been reported in the literature in individuals affected with ZNF687-related conditions. Experimental studies and prediction algorithms are not available or were not evaluated, and the functional significance of this variant is currently unknown. In summary, the available evidence is currently insufficient to determine the role of this variant in disease. Therefore, it has been classified as a Variant of Uncertain Significance.

NM_020832.3(ZNF687):c.1923CTC[1] (p.Ser643del)

Gene: ZNF687 (zinc finger protein 687; plus strand). Cytogenetic location: 1q21.3.
Variant type: Microsatellite.
Coding change: c.1923CTC[1] on transcript NM_020832.3 (MANE Select); one copy of the 3-base unit CTC starting at c.1923; the reference has two copies in a row; one copy, 3 bases deleted.
Protein change: p.Ser643del; deletes serine 643.
Molecular consequence: inframe deletion.
Genome position (GRCh38, 1-based): chr1:151,288,217-151,288,219, CTC deleted; deleting any 3 consecutive bases within chr1:151,288,213-151,288,219 gives the same sequence; the position shown is the placement nearest the transcript's 3' end. VCF-style (leftmost placement, unchanged base first): chr1-151288212-ACCT-A. GRCh37 (hg19) VCF-style: chr1-151260688-ACCT-A.
Other names: c.1923CTC[1], p.Ser643del (NM_001304763.2, NM_001304764.2); short protein forms S643del.
Identifiers: ClinVar variation 2898549 (VCV002898549.3), dbSNP rs751912108, ClinGen allele CA1088419.